The following is an entry in ClinVar:

NM_000371.4(TTR):c.407A>C (p.Tyr136Ser)

Gene: TTR (transthyretin; plus strand). Cytogenetic location: 18q12.1.
Variant type: single nucleotide variant.
Coding change: c.407A>C on transcript NM_000371.4 (MANE Select); coding-DNA position 407, A replaced by C.
Protein change: p.Tyr136Ser; replaces tyrosine 136 with serine.
Molecular consequence: missense variant.
Genome position (GRCh38, 1-based): chr18:31,598,638, A>C. VCF-style: chr18-31598638-A-C. GRCh37 (hg19) VCF-style: chr18-29178601-A-C.
Other names: short protein forms Y136S.
Identifiers: ClinVar variation 181700 (VCV000181700.6), dbSNP rs730881167, ClinGen allele CA297535.
Genomic context (GRCh38, chr18:31,598,638, plus strand): 5'-CAGCCAACGACTCCGGCCCCCGCCGCTACACCATTGCCGCCCTGCTGAGCCCCTACTCCT[A>C]TTCCACCACGGCTGTCGTCACCAATCCCAAGGAATGAGGGACTTCTCCTCCAGTGGACCT-3'
Protein context (NP_000362.1, residues 126-146): TIAALLSPYS[Tyr136Ser]STTAVVTNPK

ClinVar aggregate classification (germline): Likely pathogenic. Review status: criteria provided, multiple submitters, no conflicts (2 of 4 stars). 2 submissions from 2 submitters: Likely pathogenic (2). Last evaluated 2023-06-02.

Conditions:
Amyloidosis, hereditary systemic 1 (AMYLD1). Also called: Hereditary Transthyretin Amyloidosis; Isolated Cardiac Amyloidosis; Amyloid Cardiomyopathy, Transthyretin-related; Transthyretin Amyloidosis; Hereditary oculoleptomeningeal amyloid angiopathy; Familial Transthyretin Amyloidosis. Identifiers: Orphanet 85447, Orphanet 85451, MedGen C2751492, MONDO:0971004, OMIM 105210.

Allele frequency attached by ClinVar (database versions not stated): gnomAD exomes below 0.00001.
gnomAD v4.1: 3 of 1,614,088 alleles (0.00019%); highest among the groups gnomAD compares: Non-Finnish European, 0.00025%; no homozygotes.

Submissions (2):

Labcorp Genetics (formerly Invitae), Labcorp
Classification: Likely pathogenic for Amyloidosis, hereditary systemic 1. Last evaluated: 2023-06-02. Review status: criteria provided, single submitter. Criteria: Invitae Variant Classification Sherloc (09022015). Collection method: clinical testing. Allele origin: germline.
Comment: In summary, the currently available evidence indicates that the variant is pathogenic, but additional data are needed to prove that conclusively. Therefore, this variant has been classified as Likely Pathogenic. This sequence change replaces tyrosine, which is neutral and polar, with serine, which is neutral and polar, at codon 136 of the TTR protein (p.Tyr136Ser). This variant is not present in population databases (gnomAD no frequency). This missense change has been observed in individuals with amyloid polyneuropathy (PMID: 10627135, 27859927). This variant is also known as Tyr116Ser. ClinVar contains an entry for this variant (Variation ID: 181700). Advanced modeling of protein sequence and biophysical properties (such as structural, functional, and spatial information, amino acid conservation, physicochemical variation, residue mobility, and thermodynamic stability) performed at Invitae indicates that this missense variant is expected to disrupt TTR protein function.

Stanford Center for Inherited Cardiovascular Disease, Stanford University
Classification: Likely pathogenic. Last evaluated: 2011-03-25. Review status: criteria provided, single submitter. Criteria: ACMG Guidelines, 2015. Collection method: provider interpretation. Allele origin: germline.

Literature cited by the submitters: PubMed 10627135 (cited by Labcorp Genetics (formerly Invitae), Labcorp); PubMed 27859927 (cited by Labcorp Genetics (formerly Invitae), Labcorp).